The following is an entry in ClinVar:

NM_004360.5(CDH1):c.1083T>G (p.Ala361=)

Gene: CDH1 (cadherin 1; plus strand). Cytogenetic location: 16q22.1.
Variant type: single nucleotide variant.
Coding change: c.1083T>G on transcript NM_004360.5 (MANE Select); coding-DNA position 1083, T replaced by G.
Protein change: p.Ala361=; no amino-acid change (alanine 361 retained).
Molecular consequence: synonymous variant. On other transcripts: 5 prime UTR variant (2).
Genome position (GRCh38, 1-based): chr16:68,812,209, T>G. VCF-style: chr16-68812209-T-G. GRCh37 (hg19) VCF-style: chr16-68846112-T-G.
Other names: c.1083T>G, p.Ala361= (NM_001317184.2); c.-533T>G (NM_001317185.2); c.-737T>G (NM_001317186.2).
Identifiers: ClinVar variation 1787145 (VCV001787145.9), dbSNP rs1057521835, ClinGen allele CA496153076.

ClinVar aggregate classification (germline): Conflicting classifications of pathogenicity. Review status: criteria provided, conflicting classifications (1 of 4 stars). 4 submissions from 4 submitters: Uncertain significance (2); Likely benign (2). Last evaluated 2024-01-17.

Conditions:
Hereditary cancer-predisposing syndrome. Also called: Tumor predisposition; Neoplastic Syndromes, Hereditary; Hereditary Cancer Syndrome; Hereditary neoplastic syndrome. Identifiers: Orphanet 140162, MedGen C0027672, MeSH D009386, MONDO:0015356.
Hereditary diffuse gastric adenocarcinoma (HDGC). Also called: DIFFUSE GASTRIC AND LOBULAR BREAST CANCER SYNDROME. Identifiers: Orphanet 26106, MedGen C1708349, MONDO:0007648, OMIM 137215.

Submissions (4):

Labcorp Genetics (formerly Invitae), Labcorp
Classification: Likely benign for Hereditary diffuse gastric adenocarcinoma. Last evaluated: 2024-01-17. Review status: criteria provided, single submitter. Criteria: Invitae Variant Classification Sherloc (09022015). Collection method: clinical testing. Allele origin: germline.

European Reference Network on Genetic Tumour Risk Syndromes (ERN-GENTURIS), i3s - Instituto de Investigação e Inovação em Saúde, University of Porto
Classification: Uncertain significance for Hereditary diffuse gastric adenocarcinoma. Last evaluated: 2022-08-01. Review status: criteria provided, single submitter. Criteria: Lee et al. (Hum Mutat. 2018). Collection method: clinical testing. Allele origin: germline. Inheritance: Autosomal dominant inheritance. Affected: no. Study: ERN GENTURIS.
Comment: PM2 (PMID: 30311375)

Ambry Genetics
Classification: Likely benign for Hereditary cancer-predisposing syndrome. Last evaluated: 2021-07-31. Review status: criteria provided, single submitter. Criteria: Ambry Variant Classification Scheme 2023. Collection method: clinical testing. Allele origin: germline.

Quest Diagnostics Nichols Institute San Juan Capistrano
Classification: Uncertain significance. Last evaluated: 2021-06-25. Review status: criteria provided, single submitter. Criteria: Quest Diagnostics criteria. Collection method: clinical testing. Allele origin: unknown.

Literature cited by the submitters: PubMed 36436516 (cited by European Reference Network on Genetic Tumour Risk Syndromes (ERN-GENTURIS), i3s - Instituto de Investigação e Inovação em Saúde, University of Porto).